The following is an entry in ClinVar:

ClinVar aggregate classification (germline): Likely pathogenic (1 of 4 stars; one submission).

Conditions:
Epilepsy, childhood absence 4 (ECA4). Also called: EPILEPSY, CHILDHOOD ABSENCE, SUSCEPTIBILITY TO, 4. Identifiers: Orphanet 307, MedGen C1970160.
Idiopathic generalized epilepsy. Also called: EIG; Generalised epilepsy. Identifiers: MedGen C0270850, MONDO:0005579, OMIM 600669.
Epilepsy, idiopathic generalized, susceptibility to, 13. Also called: EPILEPSY, JUVENILE MYOCLONIC, SUSCEPTIBILITY TO, 5. Identifiers: Orphanet 307, Orphanet 64280, MedGen C4013473, MONDO:0012627, OMIM 611136.

Submission:

Labcorp Genetics (formerly Invitae), Labcorp
Classification: Likely pathogenic for Epilepsy, childhood absence 4; Epilepsy, idiopathic generalized, susceptibility to, 13; Idiopathic generalized epilepsy. Last evaluated: 2022-07-21. Review status: criteria provided, single submitter. Criteria: Invitae Variant Classification Sherloc (09022015). Collection method: clinical testing. Allele origin: germline.
Comment: In summary, the currently available evidence indicates that the variant is pathogenic, but additional data are needed to prove that conclusively. Therefore, this variant has been classified as Likely Pathogenic. This variant disrupts the p.Met263Thr amino acid residue in GABRA1. Other variant(s) that disrupt this residue have been determined to be pathogenic (PMID: 26918889, 28864462). This suggests that this residue is clinically significant, and that variants that disrupt this residue are likely to be disease-causing. Algorithms developed to predict the effect of missense changes on protein structure and function are either unavailable or do not agree on the potential impact of this missense change (SIFT: "Deleterious"; PolyPhen-2: "Benign"; Align-GVGD: "Class C45"). This missense change has been observed in individual(s) with early-onset epileptic encephalopathy (PMID: 26918889, 28837158; Invitae). In at least one individual the variant was observed to be de novo. This variant is not present in population databases (gnomAD no frequency). This sequence change replaces methionine, which is neutral and non-polar, with threonine, which is neutral and polar, at codon 263 of the GABRA1 protein (p.Met263Thr).

Literature cited by the submitters: PubMed 26918889; PubMed 28864462; PubMed 28837158.

NM_001127644.2(GABRA1):c.788T>C (p.Met263Thr)

Gene: GABRA1 (gamma-aminobutyric acid type A receptor subunit alpha1; plus strand). Cytogenetic location: 5q34.
Variant type: single nucleotide variant.
Coding change: c.788T>C on transcript NM_001127644.2 (MANE Select); coding-DNA position 788, T replaced by C.
Protein change: p.Met263Thr; replaces methionine 263 with threonine.
Molecular consequence: missense variant.
Genome position (GRCh38, 1-based): chr5:161,890,982, T>C. VCF-style: chr5-161890982-T-C. GRCh37 (hg19) VCF-style: chr5-161317988-T-C.
Other names: c.788T>C, p.Met263Thr (NM_000806.5, NM_001127643.2, NM_001127645.2 and 1 more transcripts); short protein forms M263T.
Identifiers: ClinVar variation 2136351 (VCV002136351.4), dbSNP rs796052491, ClinGen allele CA314670.
Genomic context (GRCh38, chr5:161,890,982, plus strand): 5'-ATTTCCACTTGAAGAGAAAGATTGGCTACTTTGTTATTCAAACATACCTGCCATGCATAA[T>C]GACAGTGATTCTCTCACAAGTCTCCTTCTGGCTCAACAGAGAGTCTGTACCAGCAAGAAC-3'
Protein context (NP_001121116.1, residues 253-273): FVIQTYLPCI[Met263Thr]TVILSQVSFW